The following is an entry in ClinVar:

NM_206933.4(USH2A):c.681C>T (p.Ile227=)

Gene: USH2A (usherin; minus strand). Cytogenetic location: 1q41.
Variant type: single nucleotide variant.
Coding change: c.681C>T on transcript NM_206933.4 (MANE Select); coding-DNA position 681, C replaced by T.
Protein change: p.Ile227=; no amino-acid change (isoleucine 227 retained).
Molecular consequence: synonymous variant.
Genome position (GRCh38, 1-based): chr1:216,365,056, G>A on the plus strand (C>T on the coding strand, the complement: USH2A is on the minus strand). VCF-style: chr1-216365056-G-A. GRCh37 (hg19) VCF-style: chr1-216538398-G-A.
Other names: c.681C>T (NM_206933.2); c.681C>T, p.Ile227= (NM_007123.6).
Identifiers: ClinVar variation 1117255 (VCV001117255.10), dbSNP rs371310200, ClinGen allele CA1396720.
Genomic context (GRCh38, chr1:216,365,056, plus strand): 5'-TGTAATTGAACCACTTAGAGTTCTTGCATTGAAAGGTGTATGATCCTTCTCCACGCCATT[G>A]ATAAAGAAGCTGATTTTTGTCTGATGCACCTGTAAGAAATTACCACCATTATTAGTTTAA-3'
Protein context (NP_996816.3, residues 217-237): QVHQTKISFF[Ile227=]NGVEKDHTPF

ClinVar aggregate classification (germline): Likely benign. Review status: criteria provided, multiple submitters, no conflicts (2 of 4 stars). 2 submissions from 2 submitters: Likely benign (2). Last evaluated 2025-05-15.

Conditions:
USH2A-related disorder. Also called: USH2A-related condition; USH2A-related disorders. Identifiers: MedGen CN239332.

Allele frequency attached by ClinVar (database versions not stated): TOPMed below 0.00001; gnomAD exomes 0.00001; ExAC 0.00003.
gnomAD v4.1: 6 of 1,613,230 alleles (0.00037%); highest among the groups gnomAD compares: Admixed American, 0.0067%; no homozygotes.

Submissions (2):

PreventionGenetics, part of Exact Sciences
Classification: Likely benign for USH2A-related condition. Last evaluated: 2025-05-15. Review status: criteria provided, single submitter. Criteria: ACMG Guidelines, 2015. Collection method: clinical testing. Allele origin: germline.
Comment: This variant is classified as likely benign based on ACMG/AMP sequence variant interpretation guidelines (Richards et al. 2015 PMID: 25741868, with internal and published modifications).

Labcorp Genetics (formerly Invitae), Labcorp
Classification: Likely benign. Last evaluated: 2023-06-28. Review status: criteria provided, single submitter. Criteria: Invitae Variant Classification Sherloc (09022015). Collection method: clinical testing. Allele origin: germline.